The following is an entry in ClinVar:

ClinVar aggregate classification (germline): Likely benign (1 of 4 stars; one submission).

Allele frequency attached by ClinVar (database versions not stated): gnomAD exomes 0.00009; ExAC 0.00040; 1000 Genomes Project 30x 0.00042; 1000 Genomes Project 0.00053; gnomAD 0.00104; TOPMed 0.00121; ESP Exome Variant Server 0.00133.
gnomAD v4.1: 221 of 1,205,567 alleles (0.018%); highest among the groups gnomAD compares: African/African-American, 0.35%; 1 homozygote.

Submission:

CeGaT Center for Human Genetics Tuebingen
Classification: Likely benign. Last evaluated: 2022-04-01. Review status: criteria provided, single submitter. Criteria: CeGaT Center For Human Genetics Tuebingen Variant Classification Criteria Version 2. Collection method: clinical testing. Allele origin: germline. Affected: yes. Observed: 1 variant allele.
Comment: GNL3L: BP4, BS2

NM_001184819.2(GNL3L):c.122C>T (p.Pro41Leu)

Gene: GNL3L (G protein nucleolar 3 like; plus strand). Cytogenetic location: Xp11.22.
Variant type: single nucleotide variant.
Coding change: c.122C>T on transcript NM_001184819.2 (MANE Select); coding-DNA position 122, C replaced by T.
Protein change: p.Pro41Leu; replaces proline 41 with leucine.
Molecular consequence: missense variant.
Genome position (GRCh38, 1-based): chrX:54,540,175, C>T. VCF-style: chrX-54540175-C-T. GRCh37 (hg19) VCF-style: chrX-54566608-C-T.
Other names: c.122C>T, p.Pro41Leu (NM_019067.6); short protein forms P41L.
Identifiers: ClinVar variation 2660668 (VCV002660668.24), dbSNP rs139466670, ClinGen allele CA10425379.